The following is an entry in ClinVar:

NM_018249.6(CDK5RAP2):c.2852T>C (p.Met951Thr)

Gene: CDK5RAP2 (CDK5 regulatory subunit associated protein 2; minus strand). Cytogenetic location: 9q33.2.
Variant type: single nucleotide variant.
Coding change: c.2852T>C on transcript NM_018249.6 (MANE Select); coding-DNA position 2852, T replaced by C.
Protein change: p.Met951Thr; replaces methionine 951 with threonine.
Molecular consequence: missense variant. On other transcripts: non-coding transcript variant (5).
Genome position (GRCh38, 1-based): chr9:120,448,068, A>G on the plus strand (T>C on the coding strand, the complement: CDK5RAP2 is on the minus strand). VCF-style: chr9-120448068-A-G. GRCh37 (hg19) VCF-style: chr9-123210346-A-G.
Other names: c.2852T>C, p.Met951Thr (NM_001011649.3); c.2162T>C, p.Met721Thr (NM_001272039.2); c.2753T>C, p.Met918Thr (NM_001410992.1); c.2756T>C, p.Met919Thr (NM_001410993.1); c.2849T>C, p.Met950Thr (NM_001410994.1); short protein forms M951T, M721T, M918T, M919T, M950T.
Identifiers: ClinVar variation 2159748 (VCV002159748.1), dbSNP rs143361777, ClinGen allele CA5213972.
Genomic context (GRCh38, chr9:120,448,068, plus strand): 5'-AGCTCCAAGATCTGGCTCTGCAGCTGCGTCACCACCTCCTGGGTGGCAGGGAGACGATAC[A>G]TATTTCCTAATGACCGGGATGGTTTTATTAGGATTGGCAAGCGGGACTTCTTAGCCTCCT-3'
Protein context (NP_060719.4, residues 941-961): LIKPSRSLGN[Met951Thr]YRLPATQEVV

ClinVar aggregate classification (germline): Uncertain significance (1 of 4 stars; one submission).

Allele frequency attached by ClinVar (database versions not stated): ExAC 0.00008; ESP Exome Variant Server 0.00031; 1000 Genomes Project 30x 0.00047; 1000 Genomes Project 0.00060.
gnomAD v4.1: 70 of 1,614,164 alleles (0.0043%); highest among the groups gnomAD compares: African/African-American, 0.044%; no homozygotes.

Submission:

Labcorp Genetics (formerly Invitae), Labcorp
Classification: Uncertain significance. Last evaluated: 2022-05-24. Review status: criteria provided, single submitter. Criteria: Invitae Variant Classification Sherloc (09022015). Collection method: clinical testing. Allele origin: germline.
Comment: This sequence change replaces methionine, which is neutral and non-polar, with threonine, which is neutral and polar, at codon 951 of the CDK5RAP2 protein (p.Met951Thr). This variant is present in population databases (rs143361777, gnomAD 0.05%). This variant has not been reported in the literature in individuals affected with CDK5RAP2-related conditions. Algorithms developed to predict the effect of missense changes on protein structure and function output the following: SIFT: "Tolerated"; PolyPhen-2: "Benign"; Align-GVGD: "Class C0". The threonine amino acid residue is found in multiple mammalian species, which suggests that this missense change does not adversely affect protein function. In summary, the available evidence is currently insufficient to determine the role of this variant in disease. Therefore, it has been classified as a Variant of Uncertain Significance.